The following is an entry in ClinVar:

ClinVar aggregate classification (germline): Uncertain significance (1 of 4 stars; one submission).

Conditions:
Multiple endocrine neoplasia, type 2 (MEN2). Identifiers: Orphanet 653, MedGen C4048306, MONDO:0019003. Disease mechanism: gain of function.

Submission:

Labcorp Genetics (formerly Invitae), Labcorp
Classification: Uncertain significance for Multiple endocrine neoplasia, type 2. Last evaluated: 2021-03-26. Review status: criteria provided, single submitter. Criteria: Invitae Variant Classification Sherloc (09022015). Collection method: clinical testing. Allele origin: germline.
Comment: In summary, the available evidence is currently insufficient to determine the role of this variant in disease. Therefore, it has been classified as a Variant of Uncertain Significance. Algorithms developed to predict the effect of missense changes on protein structure and function (SIFT, PolyPhen-2, Align-GVGD) all suggest that this variant is likely to be tolerated, but these predictions have not been confirmed by published functional studies and their clinical significance is uncertain. This variant has not been reported in the literature in individuals with RET-related conditions. This variant is not present in population databases (ExAC no frequency). This sequence change replaces histidine with proline at codon 840 of the RET protein (p.His840Pro). The histidine residue is weakly conserved and there is a moderate physicochemical difference between histidine and proline.

NM_020975.6(RET):c.2519A>C (p.His840Pro)

Gene: RET (ret proto-oncogene; plus strand). Cytogenetic location: 10q11.21.
Variant type: single nucleotide variant.
Coding change: c.2519A>C on transcript NM_020975.6 (MANE Select); coding-DNA position 2519, A replaced by C.
Protein change: p.His840Pro; replaces histidine 840 with proline.
Molecular consequence: missense variant.
Genome position (GRCh38, 1-based): chr10:43,119,657, A>C. VCF-style: chr10-43119657-A-C. GRCh37 (hg19) VCF-style: chr10-43615105-A-C.
Other names: c.2519A>C, p.His840Pro (NM_000323.2, NM_001406743.1, NM_001406744.1 and 4 more transcripts); c.1757A>C, p.His586Pro (NM_001355216.2); c.2390A>C, p.His797Pro (NM_001406761.1, NM_001406762.1, NM_001406764.1); c.2384A>C, p.His795Pro (NM_001406763.1, NM_001406765.1); c.2231A>C, p.His744Pro (NM_001406766.1, NM_001406767.1, NM_001406770.1); c.2255A>C, p.His752Pro (NM_001406768.1); c.2123A>C, p.His708Pro (NM_001406769.1, NM_001406772.1); c.2081A>C, p.His694Pro (NM_001406771.1, NM_001406773.1); and 10 more; short protein forms H586P, H840P, H405P, H445P, H795P, H797P, H496P, H498P.
Identifiers: ClinVar variation 1354191 (VCV001354191.9), dbSNP rs1588877283, ClinGen allele CA376556434.
Genomic context (GRCh38, chr10:43,119,657, plus strand): 5'-GCAAAGTGGGGCCTGGCTACCTGGGCAGTGGAGGCAGCCGCAACTCCAGCTCCCTGGACC[A>C]CCCGGATGAGCGGGCCCTCACCATGGGCGACCTCATCTCATTTGCCTGGCAGATCTCACA-3'
Protein context (NP_066124.1, residues 830-850): GGSRNSSSLD[His840Pro]PDERALTMGD